The following is an entry in ClinVar:

NM_001243279.3(ACSF3):c.1543C>T (p.Arg515Trp)

Gene: ACSF3 (acyl-CoA synthetase family member 3; plus strand). Cytogenetic location: 16q24.3.
Variant type: single nucleotide variant.
Coding change: c.1543C>T on transcript NM_001243279.3 (MANE Select); coding-DNA position 1543, C replaced by T.
Protein change: p.Arg515Trp; replaces arginine 515 with tryptophan.
Molecular consequence: missense variant. On other transcripts: non-coding transcript variant (4).
Genome position (GRCh38, 1-based): chr16:89,145,979, C>T. VCF-style: chr16-89145979-C-T. GRCh37 (hg19) VCF-style: chr16-89212387-C-T.
Other names: c.1543C>T, p.Arg515Trp (NM_001127214.4, NM_174917.5); c.748C>T, p.Arg250Trp (NM_001284316.2); c.1543C>T (NM_174917.3); short protein forms R250W, R515W.
Identifiers: ClinVar variation 967113 (VCV000967113.9), dbSNP rs563580010, ClinGen allele CA8238284.

ClinVar aggregate classification (germline): Uncertain significance. Review status: criteria provided, multiple submitters, no conflicts (2 of 4 stars). 5 submissions from 5 submitters: Uncertain significance (4). 1 of the submissions does not count toward it. Last evaluated 2023-08-17.

Conditions:
Inborn genetic diseases. Identifiers: MedGen C0950123, MeSH D030342.
Combined malonic and methylmalonic acidemia. Identifiers: Orphanet 289504, MedGen C3280314, MONDO:0013661, OMIM 614265.

Allele frequency attached by ClinVar (database versions not stated): gnomAD 0.00002 and 0.00003; gnomAD exomes 0.00003 and 0.00005; ExAC 0.00004; TOPMed 0.00004; 1000 Genomes Project 0.00020; 1000 Genomes Project 30x 0.00031.
gnomAD v4.1: 67 of 1,407,890 alleles (0.0048%); highest among the groups gnomAD compares: African/African-American, 0.0074%; no homozygotes.

Submissions (5):

Women's Health and Genetics/Laboratory Corporation of America, LabCorp
Classification: Uncertain significance. Last evaluated: 2023-08-17. Review status: criteria provided, single submitter. Criteria: LabCorp Variant Classification Summary - May 2015. Collection method: clinical testing. Allele origin: germline.

Ambry Genetics
Classification: Uncertain significance for Inborn genetic diseases. Last evaluated: 2022-11-01. Review status: criteria provided, single submitter. Criteria: Ambry Variant Classification Scheme 2023. Collection method: clinical testing. Allele origin: germline.

Labcorp Genetics (formerly Invitae), Labcorp
Classification: Uncertain significance for Combined malonic and methylmalonic acidemia. Last evaluated: 2022-08-10. Review status: criteria provided, single submitter. Criteria: Invitae Variant Classification Sherloc (09022015). Collection method: clinical testing. Allele origin: germline.
Comment: This sequence change replaces arginine, which is basic and polar, with tryptophan, which is neutral and slightly polar, at codon 515 of the ACSF3 protein (p.Arg515Trp). This variant is present in population databases (rs563580010, gnomAD 0.008%). This variant has not been reported in the literature in individuals affected with ACSF3-related conditions. ClinVar contains an entry for this variant (Variation ID: 967113). Advanced modeling of protein sequence and biophysical properties (such as structural, functional, and spatial information, amino acid conservation, physicochemical variation, residue mobility, and thermodynamic stability) performed at Invitae indicates that this missense variant is expected to disrupt ACSF3 protein function. Algorithms developed to predict the effect of sequence changes on RNA splicing suggest that this variant may create or strengthen a splice site. In summary, the available evidence is currently insufficient to determine the role of this variant in disease. Therefore, it has been classified as a Variant of Uncertain Significance.

GeneDx
Classification: Uncertain significance. Last evaluated: 2022-07-20. Review status: criteria provided, single submitter. Criteria: GeneDx Variant Classification Process June 2021. Collection method: clinical testing. Allele origin: germline. Affected: yes.
Comment: Not observed at significant frequency in large population cohorts (gnomAD); In silico analysis supports that this missense variant has a deleterious effect on protein structure/function; Has not been previously published as pathogenic or benign to our knowledge

Natera, Inc.
Classification: Uncertain significance for Combined malonic and methylmalonic aciduria. Last evaluated: 2021-10-14. Review status: no assertion criteria provided. Collection method: clinical testing. Allele origin: germline. Not counted in ClinVar's aggregate classification.